The following is an entry in ClinVar:

NM_002432.3(MNDA):c.1078A>C (p.Lys360Gln)

Gene: MNDA (myeloid cell nuclear differentiation antigen; plus strand). Cytogenetic location: 1q23.1.
Variant type: single nucleotide variant.
Coding change: c.1078A>C on transcript NM_002432.3 (MANE Select); coding-DNA position 1078, A replaced by C.
Protein change: p.Lys360Gln; replaces lysine 360 with glutamine.
Molecular consequence: missense variant.
Genome position (GRCh38, 1-based): chr1:158,847,818, A>C. VCF-style: chr1-158847818-A-C. GRCh37 (hg19) VCF-style: chr1-158817608-A-C.
Other names: short protein forms K360Q.
Identifiers: ClinVar variation 1785355 (VCV001785355.2), dbSNP rs2526092586, ClinGen allele CA343044262.
Genomic context (GRCh38, chr1:158,847,818, plus strand): 5'-GAAATACAGGATAATACAGGATCCATGGATGTAGTGGGGAGTGGAAAATGGCACAATATC[A>C]AGTGTGAGAAAGGAGATAAACTTCGACTCTTCTGCCTTCAACTGAGAACAGTTGACCGCA-3'
Protein context (NP_002423.1, residues 350-370): VVGSGKWHNI[Lys360Gln]CEKGDKLRLF

ClinVar aggregate classification (germline): Uncertain significance (1 of 4 stars; one submission).

gnomAD v4.1: 3 of 1,613,960 alleles (0.00019%); highest among the groups gnomAD compares: Non-Finnish European, 0.00017%; no homozygotes.

Submission:

Ambry Genetics
Classification: Uncertain significance. Last evaluated: 2023-10-13. Review status: criteria provided, single submitter. Criteria: Ambry Variant Classification Scheme 2023. Collection method: clinical testing. Allele origin: germline.
Comment: The p.K360Q variant (also known as c.1078A>C), located in coding exon 5 of the MNDA gene, results from an A to C substitution at nucleotide position 1078. The lysine at codon 360 is replaced by glutamine, an amino acid with similar properties. This amino acid position is conserved. In addition, this alteration is predicted to be tolerated by in silico analysis. Since supporting evidence is limited at this time, the clinical significance of this alteration remains unclear.